The following is an entry in ClinVar:

ClinVar aggregate classification (germline): Benign/Likely benign. Review status: criteria provided, multiple submitters, no conflicts (2 of 4 stars). 3 submissions from 3 submitters: Benign (1); Likely benign (2). Last evaluated 2025-07-02.

Conditions:
Hereditary cancer-predisposing syndrome. Also called: Neoplastic Syndromes, Hereditary; Hereditary neoplastic syndrome; Tumor predisposition; Hereditary Cancer Syndrome. Identifiers: Orphanet 140162, MedGen C0027672, MeSH D009386, MONDO:0015356.
Hereditary nonpolyposis colorectal neoplasms. Identifiers: MedGen C0009405, MeSH D003123.
Lynch syndrome 5 (LYNCH5). Also called: Colorectal cancer, hereditary nonpolyposis, type 5; Hereditary non-polyposis colorectal cancer, type 5. Identifiers: Orphanet 144, MedGen C1833477, MONDO:0013710, OMIM 614350. Disease mechanism: loss of function.

Submissions (3):

Labcorp Genetics (formerly Invitae), Labcorp
Classification: Likely benign for Hereditary nonpolyposis colorectal neoplasms. Last evaluated: 2025-07-02. Review status: criteria provided, single submitter. Criteria: Invitae Variant Classification Sherloc (09022015). Collection method: clinical testing. Allele origin: germline.

Myriad Genetics, Inc.
Classification: Benign for Lynch syndrome 5. Last evaluated: 2024-12-30. Review status: criteria provided, single submitter. Criteria: Myriad Autosomal Dominant, Autosomal Recessive and X-Linked Classification Criteria (2023). Collection method: clinical testing. Allele origin: unknown.
Comment: This variant is considered benign. This variant is a silent/synonymous amino acid change and it is not expected to impact splicing.

Ambry Genetics
Classification: Likely benign for Hereditary cancer-predisposing syndrome. Last evaluated: 2022-04-22. Review status: criteria provided, single submitter. Criteria: Ambry Variant Classification Scheme 2023. Collection method: clinical testing. Allele origin: germline.

NM_000179.3(MSH6):c.1911C>G (p.Leu637=)

Gene: MSH6 (mutS homolog 6; plus strand). Cytogenetic location: 2p16.3.
Variant type: single nucleotide variant.
Coding change: c.1911C>G on transcript NM_000179.3 (MANE Select); coding-DNA position 1911, C replaced by G.
Protein change: p.Leu637=; no amino-acid change (leucine 637 retained).
Molecular consequence: synonymous variant.
Genome position (GRCh38, 1-based): chr2:47,799,894, C>G. VCF-style: chr2-47799894-C-G. GRCh37 (hg19) VCF-style: chr2-48027033-C-G.
Other names: c.1521C>G, p.Leu507= (NM_001281492.2); c.1005C>G, p.Leu335= (NM_001281493.2, NM_001281494.2).
Identifiers: ClinVar variation 795502 (VCV000795502.12), dbSNP rs1572724900, ClinGen allele CA426121310.